The following is an entry in ClinVar:

ClinVar aggregate classification (germline): Uncertain significance (1 of 4 stars; one submission).

Allele frequency attached by ClinVar (database versions not stated): gnomAD exomes below 0.00001 and 0.00002; gnomAD 0.00001; TOPMed 0.00001; ExAC 0.00002; 1000 Genomes Project 0.00053; 1000 Genomes Project 30x 0.00062.

Submission:

Labcorp Genetics (formerly Invitae), Labcorp
Classification: Uncertain significance. Last evaluated: 2024-12-16. Review status: criteria provided, single submitter. Criteria: Invitae Variant Classification Sherloc (09022015). Collection method: clinical testing. Allele origin: germline.
Comment: This sequence change falls in intron 39 of the CACNA1F gene. It does not directly change the encoded amino acid sequence of the CACNA1F protein. This variant is present in population databases (rs200002047, gnomAD 0.02%). This variant has not been reported in the literature in individuals affected with CACNA1F-related conditions. ClinVar contains an entry for this variant (Variation ID: 1046690). Algorithms developed to predict the effect of sequence changes on RNA splicing suggest that this variant may disrupt the consensus splice site. In summary, the available evidence is currently insufficient to determine the role of this variant in disease. Therefore, it has been classified as a Variant of Uncertain Significance.

NM_001256789.3(CACNA1F):c.4588+9G>T

Genes: CACNA1F (calcium voltage-gated channel subunit alpha1 F; minus strand), LOC126863257 (BRD4-independent group 4 enhancer GRCh37_chrX:49065732-49066931; plus strand). Cytogenetic location: Xp11.23.
Variant type: single nucleotide variant.
Coding change: c.4588+9G>T on transcript NM_001256789.3 (MANE Select); 9 bases into the intron after coding-DNA position 4588, G replaced by T.
Molecular consequence: intron variant.
Genome position (GRCh38, 1-based): chrX:49,210,292, C>A on the plus strand (G>T on the coding strand, the complement: CACNA1F is on the minus strand). VCF-style: chrX-49210292-C-A. GRCh37 (hg19) VCF-style: chrX-49066752-C-A.
Other names: c.4621+9G>T (NM_005183.4); c.4426+9G>T (NM_001256790.3).
Identifiers: ClinVar variation 1046690 (VCV001046690.9), dbSNP rs200002047, ClinGen allele CA10410166.